The following is an entry in ClinVar:

ClinVar aggregate classification (germline): Uncertain significance. Review status: criteria provided, multiple submitters, no conflicts (2 of 4 stars). 2 submissions from 2 submitters: Uncertain significance (2). Last evaluated 2022-11-18.

Conditions:
Inborn genetic diseases. Identifiers: MedGen C0950123, MeSH D030342.
Hereditary spastic paraplegia 50 (SPG50). Also called: Spastic paraplegia 50, autosomal recessive. Identifiers: Orphanet 280763, MedGen C2752008, MONDO:0013048, OMIM 612936.

Allele frequency attached by ClinVar (database versions not stated): gnomAD 0.00001; gnomAD exomes 0.00002 and 0.00004; TOPMed 0.00003; ExAC 0.00004.
gnomAD v4.1: 11 of 1,614,002 alleles (0.00068%); highest among the groups gnomAD compares: Admixed American, 0.018%; no homozygotes.

Submissions (2):

Ambry Genetics
Classification: Uncertain significance for Inborn genetic diseases. Last evaluated: 2022-11-18. Review status: criteria provided, single submitter. Criteria: Ambry Variant Classification Scheme 2023. Collection method: clinical testing. Allele origin: germline.

Labcorp Genetics (formerly Invitae), Labcorp
Classification: Uncertain significance for Hereditary spastic paraplegia 50. Last evaluated: 2022-02-07. Review status: criteria provided, single submitter. Criteria: Invitae Variant Classification Sherloc (09022015). Collection method: clinical testing. Allele origin: germline.
Comment: This sequence change replaces serine, which is neutral and polar, with phenylalanine, which is neutral and non-polar, at codon 287 of the AP4M1 protein (p.Ser287Phe). This variant is present in population databases (rs774646136, gnomAD 0.03%). This variant has not been reported in the literature in individuals affected with AP4M1-related conditions. Algorithms developed to predict the effect of missense changes on protein structure and function (SIFT, PolyPhen-2, Align-GVGD) all suggest that this variant is likely to be disruptive. In summary, the available evidence is currently insufficient to determine the role of this variant in disease. Therefore, it has been classified as a Variant of Uncertain Significance.

NM_004722.4(AP4M1):c.860C>T (p.Ser287Phe)

Gene: AP4M1 (adaptor related protein complex 4 subunit mu 1; plus strand). Cytogenetic location: 7q22.1.
Variant type: single nucleotide variant.
Coding change: c.860C>T on transcript NM_004722.4 (MANE Select); coding-DNA position 860, C replaced by T.
Protein change: p.Ser287Phe; replaces serine 287 with phenylalanine.
Molecular consequence: missense variant.
Genome position (GRCh38, 1-based): chr7:100,105,470, C>T. VCF-style: chr7-100105470-C-T. GRCh37 (hg19) VCF-style: chr7-99703093-C-T.
Other names: c.881C>T, p.Ser294Phe (NM_001363671.2); c.860C>T (NM_004722.3); short protein forms S287F, S294F.
Identifiers: ClinVar variation 1408268 (VCV001408268.7), dbSNP rs774646136, ClinGen allele CA4374835.